The following is an entry in ClinVar:

ClinVar aggregate classification (germline): Uncertain significance (1 of 4 stars; one submission).

Conditions:
Hypertrophic cardiomyopathy 14. Identifiers: MedGen C2750467, MONDO:0013197, OMIM 613251.

Allele frequency attached by ClinVar (database versions not stated): TOPMed below 0.00001.

Submission:

Labcorp Genetics (formerly Invitae), Labcorp
Classification: Uncertain significance for Hypertrophic cardiomyopathy 14. Last evaluated: 2019-05-23. Review status: criteria provided, single submitter. Criteria: Invitae Variant Classification Sherloc (09022015). Collection method: clinical testing. Allele origin: germline.
Comment: In summary, the available evidence is currently insufficient to determine the role of this variant in disease. Therefore, it has been classified as a Variant of Uncertain Significance. Algorithms developed to predict the effect of sequence changes on RNA splicing suggest that this variant may create or strengthen a splice site, but this prediction has not been confirmed by published transcriptional studies. Algorithms developed to predict the effect of missense changes on protein structure and function are either unavailable or do not agree on the potential impact of this missense change (SIFT: "Deleterious"; PolyPhen-2: "Possibly Damaging"; Align-GVGD: "Class C0"). This variant has not been reported in the literature in individuals with MYH6-related conditions. This variant is not present in population databases (ExAC no frequency). This sequence change replaces glycine with valine at codon 1558 of the MYH6 protein (p.Gly1558Val). The glycine residue is weakly conserved and there is a moderate physicochemical difference between glycine and valine.

NM_002471.4(MYH6):c.4673G>T (p.Gly1558Val)

Genes: MYH6 (myosin heavy chain 6; minus strand), LOC126861896 (BRD4-independent group 4 enhancer GRCh37_chr14:23854904-23856103; plus strand). Cytogenetic location: 14q11.2.
Variant type: single nucleotide variant.
Coding change: c.4673G>T on transcript NM_002471.4 (MANE Select); coding-DNA position 4673, G replaced by T.
Protein change: p.Gly1558Val; replaces glycine 1558 with valine.
Molecular consequence: missense variant.
Genome position (GRCh38, 1-based): chr14:23,386,601, C>A on the plus strand (G>T on the coding strand, the complement: MYH6 is on the minus strand). VCF-style: chr14-23386601-C-A. GRCh37 (hg19) VCF-style: chr14-23855810-C-A.
Other names: short protein forms G1558V.
Identifiers: ClinVar variation 941858 (VCV000941858.10), dbSNP rs1276524636, ClinGen allele CA388993229.